The following is an entry in ClinVar:

ClinVar aggregate classification (germline): Pathogenic. Review status: criteria provided, single submitter (1 of 4 stars). 2 submissions from 2 submitters: Pathogenic (1). 1 of the submissions does not count toward it. Last evaluated 2025-06-11.

Conditions:
Kilquist syndrome (KILQS). Also called: SLC12A2-related autosomal recessive neonatal-developmental delay-intellectual disability-feeding difficulty-sensorineural deafness syndrome. Identifiers: Orphanet 633021, MedGen C5436756, MONDO:0033664, OMIM 619080.
Profound global developmental delay. Identifiers: MedGen C3553450, HP:0012736.

Allele frequency attached by ClinVar (database versions not stated): gnomAD exomes below 0.00001.

Submissions (2):

3billion
Classification: Pathogenic for Kilquist syndrome. Last evaluated: 2025-06-11. Review status: criteria provided, single submitter. Criteria: ACMG Guidelines, 2015. Collection method: clinical testing. Allele origin: germline. Affected: yes.
Comment: The variant is observed at an extremely low frequency in the gnomAD v4.1.0 dataset (total allele frequency: <0.001%). Predicted Consequence/Location: Stop-gained (nonsense): predicted to result in a loss or disruption of normal protein function through nonsense-mediated decay (NMD) or protein truncation. Multiple pathogenic variants are reported downstream of the variant. The variant has been reported to be associated with SLC12A2-related disorder (ClinVar ID: VCV001027650). Therefore, this variant is classified as Pathogenic according to the recommendation of ACMG/AMP guideline.

Institute of Human Genetics, University of Wuerzburg
Classification: Likely pathogenic for Profound global developmental delay. Review status: no assertion criteria provided. Collection method: clinical testing. Allele origin: unknown. Not counted in ClinVar's aggregate classification.

NM_001046.3(SLC12A2):c.2016_2017insTAA (p.Val673Ter)

Gene: SLC12A2 (solute carrier family 12 member 2; plus strand). Cytogenetic location: 5q23.3.
Variant type: Insertion.
Coding change: c.2016_2017insTAA on transcript NM_001046.3 (MANE Select); coding-DNA positions 2016 to 2017, TAA inserted.
Protein change: p.Val673Ter; replaces valine 673 with a stop codon.
Molecular consequence: nonsense. On other transcripts: non-coding transcript variant (1).
Genome position: GRCh38 VCF-style: chr5-128150007-T-TTAA. GRCh37 (hg19) VCF-style: chr5-127485699-T-TTAA.
Other names: c.2016_2017insTAA, p.Val673Ter (NM_001256461.2); short protein forms V673*.
Identifiers: ClinVar variation 1027650 (VCV001027650.2), dbSNP rs1762648883, ClinGen allele CA1581181874.